The following is an entry in ClinVar:

ClinVar aggregate classification (germline): Conflicting classifications of pathogenicity. Review status: criteria provided, conflicting classifications (1 of 4 stars). 3 submissions from 3 submitters: Uncertain significance (1); Likely benign (2). Last evaluated 2025-07-23.

Conditions:
Cardiovascular phenotype. Identifiers: MedGen CN230736.

Allele frequency attached by ClinVar (database versions not stated): gnomAD exomes below 0.00001 and 0.00001; gnomAD 0.00010 and 0.00011; TOPMed 0.00012.
gnomAD v4.1: 20 of 1,459,758 alleles (0.0014%); highest among the groups gnomAD compares: African/African-American, 0.027%; no homozygotes.

Submissions (3):

Labcorp Genetics (formerly Invitae), Labcorp
Classification: Likely benign. Last evaluated: 2025-07-23. Review status: criteria provided, single submitter. Criteria: Invitae Variant Classification Sherloc (09022015). Collection method: clinical testing. Allele origin: germline.

Greenwood Genetic Center Diagnostic Laboratories, Greenwood Genetic Center
Classification: Uncertain significance. Last evaluated: 2024-08-23. Review status: criteria provided, single submitter. Criteria: ACMG Guidelines, 2015. Collection method: clinical testing. Allele origin: germline. Affected: yes.
Comment: PM2, BP4

Ambry Genetics
Classification: Likely benign for Cardiovascular phenotype. Last evaluated: 2019-06-10. Review status: criteria provided, single submitter. Criteria: Ambry Variant Classification Scheme 2023. Collection method: clinical testing. Allele origin: germline.

NM_001367624.2(ZNF469):c.3060G>A (p.Glu1020=)

Gene: ZNF469 (zinc finger protein 469; plus strand). Cytogenetic location: 16q24.2.
Variant type: single nucleotide variant.
Coding change: c.3060G>A on transcript NM_001367624.2 (MANE Select); coding-DNA position 3060, G replaced by A.
Protein change: p.Glu1020=; no amino-acid change (glutamic acid 1020 retained).
Molecular consequence: synonymous variant.
Genome position (GRCh38, 1-based): chr16:88,430,530, G>A. VCF-style: chr16-88430530-G-A. GRCh37 (hg19) VCF-style: chr16-88496938-G-A.
Other names: NM_001127464.1:c.3060G>A.
Identifiers: ClinVar variation 1354012 (VCV001354012.11), dbSNP rs1055705235, ClinGen allele CA286374387.